The following is an entry in ClinVar:

ClinVar aggregate classification (germline): Uncertain significance (1 of 4 stars; one submission).

Submission:

ISCA Site 6
Classification: Uncertain significance. Last evaluated: 2011-08-12. Review status: criteria provided, single submitter. Criteria: Kaminsky et al. (Genet Med. 2011). Collection method: clinical testing. Allele origin: paternal. Affected: yes. Observed: 1 variant allele.
Comment: Copy number variation identified through the course of routine clinical cytogenomic testing in postnatal populations. Clinical assertions have been curated as described in Kaminsky et al. 2011.

GRCh38/hg38 6p25.3-25.2(chr6:1796838-2854327)x3

Genes: GMDS (GDP-mannose 4,6-dehydratase; minus strand), GMDS-DT (GMDS divergent transcript; plus strand), LINC01600 (long intergenic non-protein coding RNA 1600; minus strand), LINC02521 (long intergenic non-protein coding RNA 2521; plus strand), MIR4645 (microRNA 4645; minus strand) and 25 more. Cytogenetic location: 6p25.3-25.2.
Variant type: copy number gain.
Change: copy number 3 (three copies instead of two) of chr6:1,796,838-2,854,327 (1.06 Mb, GRCh38 coordinates, 1-based), cytogenetic band 6p25.3-25.2.
Identifiers: ClinVar variation 59496 (VCV000059496.2).